The following is an entry in ClinVar:

NM_016729.3(FOLR1):c.437G>A (p.Cys146Tyr)

Genes: FOLR1-AS1 (FOLR1 antisense RNA 1; minus strand), FOLR1 (folate receptor alpha; plus strand). Cytogenetic location: 11q13.4.
Variant type: single nucleotide variant.
Coding change: c.437G>A on transcript NM_016729.3 (MANE Select); coding-DNA position 437, G replaced by A.
Protein change: p.Cys146Tyr; replaces cysteine 146 with tyrosine.
Molecular consequence: missense variant.
Genome position (GRCh38, 1-based): chr11:72,195,691, G>A. VCF-style: chr11-72195691-G-A. GRCh37 (hg19) VCF-style: chr11-71906735-G-A.
Other names: c.437G>A, p.Cys146Tyr (NM_000802.3, NM_016724.3, NM_016725.3); short protein forms C146Y.
Identifiers: ClinVar variation 1375181 (VCV001375181.4), dbSNP rs2135388749, ClinGen allele CA381733438.

ClinVar aggregate classification (germline): Uncertain significance (1 of 4 stars; one submission).

Conditions:
Cerebral folate transport deficiency. Also called: FOLATE RECEPTOR DEFICIENCY; Cerebral folate deficiency syndrome; Neurodegenerative syndrome due to cerebral folate transport deficiency; NEURODEGENERATION DUE TO CEREBRAL FOLATE TRANSPORT DEFICIENCY; FOLR1-Related Cerebral Folate Transport Deficiency. Identifiers: Orphanet 217382, MedGen C2751584, MONDO:0013110, OMIM 613068. Disease mechanism: loss of function.

Submission:

Labcorp Genetics (formerly Invitae), Labcorp
Classification: Uncertain significance for Cerebral folate transport deficiency. Last evaluated: 2023-11-27. Review status: criteria provided, single submitter. Criteria: Invitae Variant Classification Sherloc (09022015). Collection method: clinical testing. Allele origin: germline.
Comment: This sequence change replaces cysteine, which is neutral and slightly polar, with tyrosine, which is neutral and polar, at codon 146 of the FOLR1 protein (p.Cys146Tyr). This variant is not present in population databases (gnomAD no frequency). This variant has not been reported in the literature in individuals affected with FOLR1-related conditions. ClinVar contains an entry for this variant (Variation ID: 1375181). Advanced modeling of protein sequence and biophysical properties (such as structural, functional, and spatial information, amino acid conservation, physicochemical variation, residue mobility, and thermodynamic stability) performed at Invitae indicates that this missense variant is expected to disrupt FOLR1 protein function with a positive predictive value of 80%. In summary, the available evidence is currently insufficient to determine the role of this variant in disease. Therefore, it has been classified as a Variant of Uncertain Significance.